The following is an entry in ClinVar:

ClinVar aggregate classification (germline): Uncertain significance (1 of 4 stars; one submission).

gnomAD v4.1: 6 of 1,613,860 alleles (0.00037%); highest among the groups gnomAD compares: South Asian, 0.0022%; no homozygotes.

Submission:

Labcorp Genetics (formerly Invitae), Labcorp
Classification: Uncertain significance. Last evaluated: 2024-01-19. Review status: criteria provided, single submitter. Criteria: Invitae Variant Classification Sherloc (09022015). Collection method: clinical testing. Allele origin: germline.
Comment: This sequence change replaces cysteine, which is neutral and slightly polar, with arginine, which is basic and polar, at codon 180 of the C6 protein (p.Cys180Arg). This variant is present in population databases (no rsID available, gnomAD 0.007%). This variant has not been reported in the literature in individuals affected with C6-related conditions. An algorithm developed to predict the effect of missense changes on protein structure and function (PolyPhen-2) suggests that this variant is likely to be disruptive. In summary, the available evidence is currently insufficient to determine the role of this variant in disease. Therefore, it has been classified as a Variant of Uncertain Significance.

NM_000065.5(C6):c.538T>C (p.Cys180Arg)

Gene: C6 (complement C6; minus strand). Cytogenetic location: 5p13.1.
Variant type: single nucleotide variant.
Coding change: c.538T>C on transcript NM_000065.5 (MANE Select); coding-DNA position 538, T replaced by C.
Protein change: p.Cys180Arg; replaces cysteine 180 with arginine.
Molecular consequence: missense variant.
Genome position (GRCh38, 1-based): chr5:41,195,841, A>G on the plus strand (T>C on the coding strand, the complement: C6 is on the minus strand). VCF-style: chr5-41195841-A-G. GRCh37 (hg19) VCF-style: chr5-41195943-A-G.
Other names: c.538T>C, p.Cys180Arg (NM_001115131.4); short protein forms C180R.
Identifiers: ClinVar variation 2958584 (VCV002958584.3), dbSNP rs759193640, ClinGen allele CA359603826.